The following is an entry in ClinVar:

NM_005476.7(GNE):c.851T>C (p.Phe284Ser)

Gene: GNE (glucosamine (UDP-N-acetyl)-2-epimerase/N-acetylmannosamine kinase; minus strand). Cytogenetic location: 9p13.3.
Variant type: single nucleotide variant.
Coding change: c.851T>C on transcript NM_005476.7 (MANE Select); coding-DNA position 851, T replaced by C.
Protein change: p.Phe284Ser; replaces phenylalanine 284 with serine.
Molecular consequence: missense variant.
Genome position (GRCh38, 1-based): chr9:36,234,051, A>G on the plus strand (T>C on the coding strand, the complement: GNE is on the minus strand). VCF-style: chr9-36234051-A-G. GRCh37 (hg19) VCF-style: chr9-36234048-A-G.
Other names: c.944T>C, p.Phe315Ser (NM_001128227.3); c.851T>C, p.Phe284Ser (NM_001190383.3); c.521T>C, p.Phe174Ser (NM_001190384.3); c.674T>C, p.Phe225Ser (NM_001190388.2, NM_001374798.1); c.698T>C, p.Phe233Ser (NM_001374797.1); short protein forms F315S, F284S, F174S, F225S, F233S.
Identifiers: ClinVar variation 567788 (VCV000567788.8), dbSNP rs1563938450, ClinGen allele CA373430737.

ClinVar aggregate classification (germline): Uncertain significance (1 of 4 stars; one submission).

Conditions:
Sialuria. Also called: Sialic Acid Storage Disease; SIALURIA, FRENCH TYPE. Identifiers: Orphanet 3166, MedGen C0342853, MONDO:0010028, OMIM 269921.
GNE myopathy (NM). Also called: MYOPATHY, DISTAL, WITH OR WITHOUT RIMMED VACUOLES; INCLUSION BODY MYOPATHY, HEREDITARY, AUTOSOMAL RECESSIVE; INCLUSION BODY MYOPATHY 2, AUTOSOMAL RECESSIVE; IBM 2; Inclusion body myopathy autosomal recessive; Inclusion body myopathy quadriceps sparing. Identifiers: Orphanet 602, MedGen C1853926, MONDO:0011603, OMIM 605820.

Submission:

Labcorp Genetics (formerly Invitae), Labcorp
Classification: Uncertain significance for Sialuria; GNE myopathy. Last evaluated: 2022-06-20. Review status: criteria provided, single submitter. Criteria: Invitae Variant Classification Sherloc (09022015). Collection method: clinical testing. Allele origin: germline.
Comment: This variant is not present in population databases (gnomAD no frequency). This sequence change replaces phenylalanine, which is neutral and non-polar, with serine, which is neutral and polar, at codon 315 of the GNE protein (p.Phe315Ser). This variant has not been reported in the literature in individuals affected with GNE-related conditions. In summary, the available evidence is currently insufficient to determine the role of this variant in disease. Therefore, it has been classified as a Variant of Uncertain Significance. Advanced modeling of protein sequence and biophysical properties (such as structural, functional, and spatial information, amino acid conservation, physicochemical variation, residue mobility, and thermodynamic stability) performed at Invitae indicates that this missense variant is expected to disrupt GNE protein function. ClinVar contains an entry for this variant (Variation ID: 567788).